The following is an entry in ClinVar:

NM_001080449.3(DNA2):c.3026A>G (p.His1009Arg)

Gene: DNA2 (DNA replication helicase/nuclease 2; minus strand). Cytogenetic location: 10q21.3.
Variant type: single nucleotide variant.
Coding change: c.3026A>G on transcript NM_001080449.3 (MANE Select); coding-DNA position 3026, A replaced by G.
Protein change: p.His1009Arg; replaces histidine 1009 with arginine.
Molecular consequence: missense variant. On other transcripts: non-coding transcript variant (1).
Genome position (GRCh38, 1-based): chr10:68,416,797, T>C on the plus strand (A>G on the coding strand, the complement: DNA2 is on the minus strand). VCF-style: chr10-68416797-T-C. GRCh37 (hg19) VCF-style: chr10-70176554-T-C.
Other names: short protein forms H1009R.
Identifiers: ClinVar variation 2958004 (VCV002958004.3), dbSNP rs775496039, ClinGen allele CA5524680.

ClinVar aggregate classification (germline): Uncertain significance (1 of 4 stars; one submission).

Allele frequency attached by ClinVar (database versions not stated): ExAC 0.00001; gnomAD 0.00001; gnomAD exomes below 0.00001.
gnomAD v4.1: 3 of 1,613,824 alleles (0.00019%); highest among the groups gnomAD compares: Non-Finnish European, 0.00017%; no homozygotes.

Submission:

Labcorp Genetics (formerly Invitae), Labcorp
Classification: Uncertain significance. Last evaluated: 2025-09-11. Review status: criteria provided, single submitter. Criteria: Invitae Variant Classification Sherloc (09022015). Collection method: clinical testing. Allele origin: germline.
Comment: This sequence change replaces histidine, which is basic and polar, with arginine, which is basic and polar, at codon 1009 of the DNA2 protein (p.His1009Arg). This variant is present in population databases (rs775496039, gnomAD 0.004%). This variant has not been reported in the literature in individuals affected with DNA2-related conditions. ClinVar contains an entry for this variant (Variation ID: 2958004). Invitae Evidence Modeling of protein sequence and biophysical properties (such as structural, functional, and spatial information, amino acid conservation, physicochemical variation, residue mobility, and thermodynamic stability) indicates that this missense variant is not expected to disrupt DNA2 protein function with a negative predictive value of 80%. In summary, the available evidence is currently insufficient to determine the role of this variant in disease. Therefore, it has been classified as a Variant of Uncertain Significance.